The following is an entry in ClinVar:

ClinVar aggregate classification (germline): Conflicting classifications of pathogenicity. Review status: criteria provided, conflicting classifications (1 of 4 stars). 8 submissions from 8 submitters: Uncertain significance (3); Likely benign (4). 1 of the submissions does not count toward it. Last evaluated 2026-02-01.

Conditions:
TNXB-related disorder. Also called: TNXB-related condition.
Cardiovascular phenotype. Identifiers: MedGen CN230736.
Vesicoureteral reflux 8 (VUR8). Identifiers: Orphanet 289365, MedGen C4014831, MONDO:0014422, OMIM 615963.
Ehlers-Danlos syndrome (EDS). Identifiers: Orphanet 98249, MedGen C0013720, MONDO:0020066.

Allele frequency attached by ClinVar (database versions not stated): TOPMed 0.00032; gnomAD 0.00035 and 0.00048; gnomAD exomes 0.00051 and 0.00061; ExAC 0.00067; 1000 Genomes Project 30x 0.00078; 1000 Genomes Project 0.00100; ESP Exome Variant Server 0.00039.
gnomAD v4.1: 814 of 1,613,134 alleles (0.05%); highest among the groups gnomAD compares: South Asian, 0.2%; 2 homozygotes.

Submissions (8):

CeGaT Center for Human Genetics Tuebingen
Classification: Likely benign. Last evaluated: 2026-02-01. Review status: criteria provided, single submitter. Criteria: CeGaT Center For Human Genetics Tuebingen Variant Classification Criteria Version 2. Collection method: clinical testing. Allele origin: germline. Affected: yes. Observed: 2 variant alleles.
Comment: TNXB: BS1

Women's Health and Genetics/Laboratory Corporation of America, LabCorp
Classification: Likely benign. Last evaluated: 2025-06-26. Review status: criteria provided, single submitter. Criteria: LabCorp Variant Classification Summary - May 2015. Collection method: clinical testing. Allele origin: germline.
Comment: Variant summary: TNXB c.8734G>A (p.Gly2912Ser) results in a non-conservative amino acid change in the encoded protein sequence. Algorithms developed to predict the effect of missense changes on protein structure and function are either unavailable or do not agree on the potential impact of this missense change. The variant allele was found at a frequency of 0.00061 in 245596 control chromosomes, predominantly at a frequency of 0.0019 within the South Asian subpopulation in the gnomAD database, including 1 homozygotes. The observed variant frequency within South Asian control individuals in the gnomAD database is approximately 1.7 fold of the estimated maximal expected allele frequency for a pathogenic variant in TNXB causing Ehlers-Danlos syndrome due to tenascin-X deficiency phenotype (0.0011). To our knowledge, no occurrence of c.8734G>A in individuals affected with Ehlers-Danlos syndrome due to tenascin-X deficiency and no experimental evidence demonstrating its impact on protein function have been reported. ClinVar contains an entry for this variant (Variation ID: 1187338). Based on the evidence outlined above, the variant was classified as likely benign.

Revvity Omics, Revvity
Classification: Uncertain significance for Vesicoureteral reflux 8. Last evaluated: 2024-12-16. Review status: criteria provided, single submitter. Criteria: ACMG Guidelines, 2015. Collection method: clinical testing. Allele origin: germline.

Mayo Clinic Laboratories, Mayo Clinic
Classification: Likely benign. Last evaluated: 2024-05-14. Review status: criteria provided, single submitter. Criteria: ACMG Guidelines, 2015. Collection method: clinical testing. Allele origin: germline. Observed: 3 variant alleles.
Comment: BS1

Ambry Genetics
Classification: Uncertain significance for Cardiovascular phenotype. Last evaluated: 2023-12-07. Review status: criteria provided, single submitter. Criteria: Ambry Variant Classification Scheme 2023. Collection method: clinical testing. Allele origin: germline.
Comment: The p.G2912S variant (also known as c.8734G>A), located in coding exon 24 of the TNXB gene, results from a G to A substitution at nucleotide position 8734. The glycine at codon 2912 is replaced by serine, an amino acid with similar properties. This variant (also described as p.G2914S) has been reported in juvenile idiopathic arthritis and primary vesicoureteral reflex cases; however, clinical details were limited (Kaufman KM et al, 2014 Dec;66:3486-95; Elahi S et al. Pediatr. Nephrol., 2016 Feb;31:247-53). This alteration was also described as heterozygous in a sudden cardiac arrest cohort, where it was seen in one individual with mitral valve prolapse and additional cardiac variants also detected (Asatryan B et al. Am J Cardiol, 2019 06;123:2031-2038). This amino acid position is highly conserved in available vertebrate species. In addition, this alteration is predicted to be tolerated by in silico analysis. Since supporting evidence is limited at this time, the clinical significance of this alteration remains unclear

GeneDx
Classification: Likely benign. Last evaluated: 2020-06-16. Review status: criteria provided, single submitter. Criteria: GeneDx Variant Classification Process June 2021. Collection method: clinical testing. Allele origin: germline. Affected: yes.
Comment: This variant is associated with the following publications: (PMID: 25047945)

Genome Diagnostics Laboratory, The Hospital for Sick Children
Classification: Uncertain significance for Ehlers-Danlos syndrome. Last evaluated: 2019-11-01. Review status: criteria provided, single submitter. Criteria: ACMG Guidelines, 2015. Collection method: clinical testing. Allele origin: germline.

PreventionGenetics, part of Exact Sciences
Classification: Likely benign for TNXB-related condition. Last evaluated: 2021-10-15. Review status: no assertion criteria provided. Collection method: clinical testing. Allele origin: germline. Not counted in ClinVar's aggregate classification.
Comment: This variant is classified as likely benign based on ACMG/AMP sequence variant interpretation guidelines (Richards et al. 2015 PMID: 25741868, with internal and published modifications).

Literature cited by the submitters: PubMed 25047945 (cited by Mayo Clinic Laboratories, Mayo Clinic and Ambry Genetics); PubMed 30975432 (cited by Mayo Clinic Laboratories, Mayo Clinic and Ambry Genetics); PubMed 26193622 (cited by Ambry Genetics); PubMed 26408188 (cited by Ambry Genetics).

NM_001365276.2(TNXB):c.8740G>A (p.Gly2914Ser)

Gene: TNXB (tenascin XB; minus strand). Cytogenetic location: 6p21.33.
Variant type: single nucleotide variant.
Coding change: c.8740G>A on transcript NM_001365276.2 (MANE Select); coding-DNA position 8740, G replaced by A.
Protein change: p.Gly2914Ser; replaces glycine 2914 with serine.
Molecular consequence: missense variant.
Genome position (GRCh38, 1-based): chr6:32,053,439, C>T on the plus strand (G>A on the coding strand, the complement: TNXB is on the minus strand). VCF-style: chr6-32053439-C-T. GRCh37 (hg19) VCF-style: chr6-32021216-C-T.
Other names: p.Gly2912Ser; c.8734G>A, p.Gly2912Ser (NM_019105.8); short protein forms G2912S, G2914S.
Identifiers: ClinVar variation 1187338 (VCV001187338.17), dbSNP rs200708257, ClinGen allele CA3733762.